The following is an entry in ClinVar:

ClinVar aggregate classification (germline): Uncertain significance. Review status: criteria provided, multiple submitters, no conflicts (2 of 4 stars). 2 submissions from 2 submitters: Uncertain significance (2). Last evaluated 2025-09-02.

Conditions:
Cardiovascular phenotype. Identifiers: MedGen CN230736.
Hypertrophic cardiomyopathy 12. Identifiers: MedGen C2677491, MONDO:0012804, OMIM 612124.
Dilated cardiomyopathy 1M (CMD1M). Identifiers: Orphanet 154, MedGen C1843808, MONDO:0011840, OMIM 607482.

Allele frequency attached by ClinVar (database versions not stated): ExAC 0.00002; gnomAD exomes 0.00001 and below 0.00001.
gnomAD v4.1: 5 of 1,614,216 alleles (0.00031%); highest among the groups gnomAD compares: Non-Finnish European, 0.00042%; no homozygotes.

Submissions (2):

Labcorp Genetics (formerly Invitae), Labcorp
Classification: Uncertain significance for Hypertrophic cardiomyopathy 12; Dilated cardiomyopathy 1M. Last evaluated: 2025-09-02. Review status: criteria provided, single submitter. Criteria: Invitae Variant Classification Sherloc (09022015). Collection method: clinical testing. Allele origin: germline.
Comment: This sequence change replaces glutamic acid, which is acidic and polar, with glutamine, which is neutral and polar, at codon 14 of the CSRP3 protein (p.Glu14Gln). This variant is present in population databases (rs777883490, gnomAD 0.002%). This variant has not been reported in the literature in individuals affected with CSRP3-related conditions. ClinVar contains an entry for this variant (Variation ID: 543037). An algorithm developed to predict the effect of missense changes on protein structure and function (PolyPhen-2) suggests that this variant is likely to be tolerated. In summary, the available evidence is currently insufficient to determine the role of this variant in disease. Therefore, it has been classified as a Variant of Uncertain Significance.

Ambry Genetics
Classification: Uncertain significance for Cardiovascular phenotype. Last evaluated: 2025-08-20. Review status: criteria provided, single submitter. Criteria: Ambry Variant Classification Scheme 2023. Collection method: clinical testing. Allele origin: germline.

NM_003476.5(CSRP3):c.40G>C (p.Glu14Gln)

Gene: CSRP3 (cysteine and glycine rich protein 3; minus strand). Cytogenetic location: 11p15.1.
Variant type: single nucleotide variant.
Coding change: c.40G>C on transcript NM_003476.5 (MANE Select); coding-DNA position 40, G replaced by C.
Protein change: p.Glu14Gln; replaces glutamic acid 14 with glutamine.
Molecular consequence: missense variant.
Genome position (GRCh38, 1-based): chr11:19,192,409, C>G on the plus strand (G>C on the coding strand, the complement: CSRP3 is on the minus strand). VCF-style: chr11-19192409-C-G. GRCh37 (hg19) VCF-style: chr11-19213956-C-G.
Other names: c.40G>C, p.Glu14Gln (NM_001369404.1); short protein forms E14Q.
Identifiers: ClinVar variation 543037 (VCV000543037.13), dbSNP rs777883490, ClinGen allele CA5916683.